The following is an entry in ClinVar:

ClinVar aggregate classification (germline): Uncertain significance (1 of 4 stars; one submission).

Submission:

Labcorp Genetics (formerly Invitae), Labcorp
Classification: Uncertain significance. Last evaluated: 2023-11-27. Review status: criteria provided, single submitter. Criteria: Invitae Variant Classification Sherloc (09022015). Collection method: clinical testing. Allele origin: germline.
Comment: This sequence change affects codon 220 of the CWC27 mRNA. It is a 'silent' change, meaning that it does not change the encoded amino acid sequence of the CWC27 protein. This variant is not present in population databases (gnomAD no frequency). This variant has not been reported in the literature in individuals affected with CWC27-related conditions. ClinVar contains an entry for this variant (Variation ID: 1525155). Algorithms developed to predict the effect of sequence changes on RNA splicing suggest that this variant may create or strengthen a splice site. In summary, the available evidence is currently insufficient to determine the role of this variant in disease. Therefore, it has been classified as a Variant of Uncertain Significance.

NM_005869.4(CWC27):c.660A>G (p.Arg220=)

Gene: CWC27 (CWC27 spliceosome associated cyclophilin; plus strand). Cytogenetic location: 5q12.3.
Variant type: single nucleotide variant.
Coding change: c.660A>G on transcript NM_005869.4 (MANE Select); coding-DNA position 660, A replaced by G.
Protein change: p.Arg220=; no amino-acid change (arginine 220 retained).
Molecular consequence: synonymous variant.
Genome position (GRCh38, 1-based): chr5:64,789,011, A>G. VCF-style: chr5-64789011-A-G. GRCh37 (hg19) VCF-style: chr5-64084838-A-G.
Other names: c.660A>G, p.Arg220= (NM_001297644.1, NM_001297645.2, NM_001318000.2 and 1 more transcripts).
Identifiers: ClinVar variation 1525155 (VCV001525155.8), dbSNP rs2112178501, ClinGen allele CA444474980.